The following is an entry in ClinVar:

NC_000023.11:g.38269693C>T

Gene: RPGR (retinitis pigmentosa GTPase regulator; minus strand). Cytogenetic location: Xp11.4.
Variant type: single nucleotide variant.
Molecular consequence: missense variant (on NM_001367248.1). On other transcripts: non-coding transcript variant (6).
Genome position: GRCh38 VCF-style: chrX-38269693-C-T. GRCh37 (hg19) VCF-style: chrX-38128946-C-T.
Other names: c.2078G>A, p.Ser693Asn (NM_001367248.1); c.2045G>A, p.Ser682Asn (NM_001367249.1, NM_001367250.1); c.1862G>A, p.Ser621Asn (NM_001367251.1); c.2381G>A, p.Ser794Asn (NM_000328.3); c.2378G>A, p.Ser793Asn (NM_001367245.1); c.2195G>A, p.Ser732Asn (NM_001367246.1); c.2048G>A, p.Ser683Asn (NM_001367247.1); short protein forms S621N, S682N, S683N, S693N, S732N, S793N, S794N.
Identifiers: ClinVar variation 3614474 (VCV003614474.2).

ClinVar aggregate classification (germline): Uncertain significance (1 of 4 stars; one submission).

Conditions:
Primary ciliary dyskinesia. Also called: Ciliary dyskinesia. Identifiers: Orphanet 244, MedGen C0008780, MONDO:0016575, HP:0012265.

Submission:

Labcorp Genetics (formerly Invitae), Labcorp
Classification: Uncertain significance for Primary ciliary dyskinesia. Last evaluated: 2024-04-25. Review status: criteria provided, single submitter. Criteria: Invitae Variant Classification Sherloc (09022015). Collection method: clinical testing. Allele origin: germline.
Comment: This sequence change replaces serine, which is neutral and polar, with asparagine, which is neutral and polar, at codon 794 of the RPGR protein (p.Ser794Asn). This variant is not present in population databases (gnomAD no frequency). This variant has not been reported in the literature in individuals affected with RPGR-related conditions. Advanced modeling of protein sequence and biophysical properties (such as structural, functional, and spatial information, amino acid conservation, physicochemical variation, residue mobility, and thermodynamic stability) performed at Invitae indicates that this missense variant is not expected to disrupt RPGR protein function with a negative predictive value of 95%. In summary, the available evidence is currently insufficient to determine the role of this variant in disease. Therefore, it has been classified as a Variant of Uncertain Significance.